The following is an entry in ClinVar:

ClinVar aggregate classification (germline): Conflicting classifications of pathogenicity. Review status: criteria provided, conflicting classifications (1 of 4 stars). 6 submissions from 6 submitters: Pathogenic (1); Uncertain significance (3); Likely benign (2). Last evaluated 2026-01-28.

Conditions:
PNPT1-related disorder. Also called: PNPT1-related disorders; PNPT1-related condition.
Autosomal recessive nonsyndromic hearing loss 70. Also called: Deafness, autosomal recessive 70. Identifiers: Orphanet 90636, MedGen C1824925, MONDO:0013978, OMIM 614934.
Combined oxidative phosphorylation defect type 13. Also called: Combined oxidative phosphorylation deficiency 13. Identifiers: Orphanet 319514, MedGen C4706283, MONDO:0013977, OMIM 614932.

Allele frequency attached by ClinVar (database versions not stated): gnomAD 0.00014 and 0.00010; gnomAD exomes 0.00021 and 0.00011; ExAC 0.00023; 1000 Genomes Project 0.00080; 1000 Genomes Project 30x 0.00094; TOPMed 0.00007; ESP Exome Variant Server 0.00008.
gnomAD v4.1: 189 of 1,611,614 alleles (0.012%); highest among the groups gnomAD compares: South Asian, 0.063%; no homozygotes.

Submissions (6):

Labcorp Genetics (formerly Invitae), Labcorp
Classification: Likely benign. Last evaluated: 2026-01-28. Review status: criteria provided, single submitter. Criteria: Invitae Variant Classification Sherloc (09022015). Collection method: clinical testing. Allele origin: germline.

GeneDx
Classification: Uncertain significance. Last evaluated: 2026-01-14. Review status: criteria provided, single submitter. Criteria: GeneDx Variant Classification Process June 2021. Collection method: clinical testing. Allele origin: germline.
Comment: Identified with a second PNPT1 variant in trans in an individual with hearing loss (PMID: 34374074); In silico analysis suggests that this missense variant does not alter protein structure/function; This variant is associated with the following publications: (PMID: 34374074)

PreventionGenetics, part of Exact Sciences
Classification: Likely benign for PNPT1-related condition. Last evaluated: 2025-04-02. Review status: criteria provided, single submitter. Criteria: ACMG Guidelines, 2015. Collection method: clinical testing. Allele origin: germline.
Comment: This variant is classified as likely benign based on ACMG/AMP sequence variant interpretation guidelines (Richards et al. 2015 PMID: 25741868, with internal and published modifications).

Blueprint Genetics
Classification: Uncertain significance. Last evaluated: 2023-05-24. Review status: criteria provided, single submitter. Criteria: ACMG Guidelines, 2015. Collection method: clinical testing. Allele origin: germline.

Hereditary Hearing Loss Research Unit, University of Madras
Classification: Pathogenic for Autosomal recessive nonsyndromic hearing loss 70. Review status: criteria provided, single submitter. Criteria: ACMG Guidelines, 2015. Collection method: case-control. Allele origin: germline. Inheritance: Autosomal recessive inheritance. Affected: yes. Observed: 1 heterozygote.

Neuberg Centre For Genomic Medicine, NCGM
Classification: Uncertain significance for Combined oxidative phosphorylation defect type 13. Review status: criteria provided, single submitter. Criteria: ACMG Guidelines, 2015. Collection method: clinical testing. Allele origin: germline. Inheritance: Autosomal recessive inheritance. Affected: yes.
Comment: The missense variant c.1619A>G (p.Asn540Ser) in PNPT1 gene has not been reported previously as a pathogenic variant nor as a benign variant, to our knowledge. This variant has been reported to the ClinVar database as Pathogenic. The p.Asn540Ser variant is reported with allele frequency of 0.02% in gnomAD exomes and novel in gnomAD Exomes and 1000 Genomes. The amino acid Asn at position 540 is changed to a Ser changing protein sequence and it might alter its composition and physico-chemical properties. The amino acid change p.Asn540Ser in PNPT1 is predicted as conserved by GERP++ and PhyloP across 100 vertebrates. For these reasons, this variant has been classified as Uncertain Significance. In the absence of another reportable variant the molecular diagnosis is not confirmed.

NM_033109.5(PNPT1):c.1619A>G (p.Asn540Ser)

Gene: PNPT1 (polyribonucleotide nucleotidyltransferase 1; minus strand). Cytogenetic location: 2p16.1.
Variant type: single nucleotide variant.
Coding change: c.1619A>G on transcript NM_033109.5 (MANE Select); coding-DNA position 1619, A replaced by G.
Protein change: p.Asn540Ser; replaces asparagine 540 with serine.
Molecular consequence: missense variant.
Genome position (GRCh38, 1-based): chr2:55,646,470, T>C on the plus strand (A>G on the coding strand, the complement: PNPT1 is on the minus strand). VCF-style: chr2-55646470-T-C. GRCh37 (hg19) VCF-style: chr2-55873605-T-C.
Other names: c.1619A>G (NM_033109.4); short protein forms N540S.
Identifiers: ClinVar variation 972897 (VCV000972897.14), dbSNP rs202190573, ClinGen allele CA1668008.